The following is an entry in ClinVar:

NM_001330288.2(SMARCC2):c.79G>T (p.Val27Leu)

Genes: SMARCC2 (SWI/SNF related BAF chromatin remodeling complex subunit C2; minus strand), LOC130008058 (ATAC-STARR-seq lymphoblastoid silent region 4548; plus strand). Cytogenetic location: 12q13.2.
Variant type: single nucleotide variant.
Coding change: c.79G>T on transcript NM_001330288.2 (MANE Select); coding-DNA position 79, G replaced by T.
Protein change: p.Val27Leu; replaces valine 27 with leucine.
Molecular consequence: missense variant.
Genome position (GRCh38, 1-based): chr12:56,189,383, C>A on the plus strand (G>T on the coding strand, the complement: SMARCC2 is on the minus strand). VCF-style: chr12-56189383-C-A. GRCh37 (hg19) VCF-style: chr12-56583167-C-A.
Other names: c.79G>T, p.Val27Leu (NM_001130420.3, NM_003075.5, NM_139067.4); short protein forms V27L.
Identifiers: ClinVar variation 3029055 (VCV003029055.2), dbSNP rs2540983962, ClinGen allele CA385268333.

ClinVar aggregate classification (germline): Uncertain significance (0 of 4 stars; one submission).

Conditions:
SMARCC2-related disorder. Also called: SMARCC2-related condition.

gnomAD v4.1: 1 of 1,543,038 alleles (0.000065%); highest among the groups gnomAD compares: South Asian, 0.0012%; no homozygotes.

Submission:

PreventionGenetics, part of Exact Sciences
Classification: Uncertain significance for SMARCC2-related condition. Last evaluated: 2023-12-18. Review status: no assertion criteria provided. Collection method: clinical testing. Allele origin: germline.
Comment: The SMARCC2 c.79G>T variant is predicted to result in the amino acid substitution p.Val27Leu. To our knowledge, this variant has not been reported in the literature or in a large population database, indicating this variant is rare. At this time, the clinical significance of this variant is uncertain due to the absence of conclusive functional and genetic evidence.